The following is an entry in ClinVar:

NM_000435.3(NOTCH3):c.2209G>A (p.Ala737Thr)

Gene: NOTCH3 (notch receptor 3; minus strand). Cytogenetic location: 19p13.12.
Variant type: single nucleotide variant.
Coding change: c.2209G>A on transcript NM_000435.3 (MANE Select); coding-DNA position 2209, G replaced by A.
Protein change: p.Ala737Thr; replaces alanine 737 with threonine.
Molecular consequence: missense variant.
Genome position (GRCh38, 1-based): chr19:15,185,344, C>T on the plus strand (G>A on the coding strand, the complement: NOTCH3 is on the minus strand). VCF-style: chr19-15185344-C-T. GRCh37 (hg19) VCF-style: chr19-15296155-C-T.
Other names: c.2209G>A (NM_000435.2); short protein forms A737T.
Identifiers: ClinVar variation 811999 (VCV000811999.18), dbSNP rs754815179, ClinGen allele CA9263409.

ClinVar aggregate classification (germline): Conflicting classifications of pathogenicity. Review status: criteria provided, conflicting classifications (1 of 4 stars). 5 submissions from 5 submitters: Uncertain significance (3); Likely benign (2). Last evaluated 2025-12-16.

Conditions:
Inborn genetic diseases. Identifiers: MedGen C0950123, MeSH D030342.
Cerebral arteriopathy, autosomal dominant, with subcortical infarcts and leukoencephalopathy, type 1 (CADASIL1). Also called: CADASIL 1; DEMENTIA, HEREDITARY MULTIINFARCT TYPE; CASIL; Cerebral arteriopathy with subcortical infarcts and leukoencephalopathy 1. Identifiers: Orphanet 136, MedGen C4551768, MONDO:0000914, OMIM 125310.
Myofibromatosis, infantile, 2. Identifiers: Orphanet 2591, MedGen C3809084, MONDO:0014122, OMIM 615293.
Lateral meningocele syndrome (LMNS). Also called: NOTCH3-Related Lateral Meningocele Syndrome. Identifiers: Orphanet 2789, MedGen C1851710, MONDO:0007537, OMIM 130720.

Allele frequency attached by ClinVar (database versions not stated): gnomAD 0.00001; gnomAD exomes 0.00003 and 0.00008; TOPMed 0.00003; ExAC 0.00005.
gnomAD v4.1: 44 of 1,612,554 alleles (0.0027%); highest among the groups gnomAD compares: South Asian, 0.019%; no homozygotes.

Submissions (5):

Ambry Genetics
Classification: Uncertain significance for Inborn genetic diseases. Last evaluated: 2025-12-16. Review status: criteria provided, single submitter. Criteria: Ambry Variant Classification Scheme 2023. Collection method: clinical testing. Allele origin: germline.

Labcorp Genetics (formerly Invitae), Labcorp
Classification: Likely benign. Last evaluated: 2025-05-08. Review status: criteria provided, single submitter. Criteria: Invitae Variant Classification Sherloc (09022015). Collection method: clinical testing. Allele origin: germline.

Athena Diagnostics
Classification: Likely benign. Last evaluated: 2024-04-02. Review status: criteria provided, single submitter. Criteria: Athena Diagnostics Criteria. Collection method: clinical testing. Allele origin: unknown.

Fulgent Genetics
Classification: Uncertain significance for Cerebral arteriopathy, autosomal dominant, with subcortical infarcts and leukoencephalopathy, type 1; Lateral meningocele syndrome; Myofibromatosis, infantile, 2. Last evaluated: 2024-01-05. Review status: criteria provided, single submitter. Criteria: ACMG Guidelines, 2015. Collection method: clinical testing. Allele origin: germline.

ARUP Laboratories, Molecular Genetics and Genomics, ARUP Laboratories
Classification: Uncertain significance. Last evaluated: 2020-02-04. Review status: criteria provided, single submitter. Criteria: ARUP Molecular Germline Variant Investigation Process. Collection method: clinical testing. Allele origin: germline.
Comment: The NOTCH3 c.2209G>A; p.Ala737Thr variant (rs754815179), to our knowledge, is not reported in the medical literature or gene specific databases. This variant is found in the general population with an overall allele frequency of 0.008% (19/246092 alleles) in the Genome Aggregation Database. The alanine at codon 737 is moderately conserved, but computational analyses (SIFT: Damaging, PolyPhen-2: Benign) predict conflicting effects of this variant on protein structure/function. Most pathogenic NOTCH3 variants occur in exons 2-24 and either create or destroy a cysteine residue within an EGF-like domain (Rutten 2014). However, there are several amino acid substitutions not involving cysteine that may be disease-associated (Muino 2017). Although the p.Ala737Thr does not involve a cysteine residue, due to its low population frequency and lack of clinical and functional information, its clinical significance is uncertain. References: Muino E et al. Systematic Review of Cysteine-Sparing NOTCH3 Missense Mutations in Patients with Clinical Suspicion of CADASIL. Int J Mol Sci. 2017 Sep 13;18(9). pii: E1964. Rutten JW et al. Interpretation of NOTCH3 mutations in the diagnosis of CADASIL. Expert Rev Mol Diagn. 2014 Jun;14(5):593-603.